The following is an entry in ClinVar:

NM_133433.4(NIPBL):c.10dup (p.Asp4fs)

Gene: NIPBL (NIPBL cohesin loading factor; plus strand). Cytogenetic location: 5p13.2.
Variant type: Duplication.
Coding change: c.10dup on transcript NM_133433.4 (MANE Select); coding-DNA position 10, one base duplicated (G; older notation c.10dupG).
Protein change: p.Asp4fs; shifts the reading frame from aspartic acid 4.
Molecular consequence: frameshift variant.
Genome position (GRCh38, 1-based): chr5:36,953,706, G duplicated; the last of 4 consecutive G bases (chr5:36,953,703-36,953,706); duplicating any one gives the same sequence. VCF-style (leftmost placement, unchanged base first): chr5-36953702-T-TG. GRCh37 (hg19) VCF-style: chr5-36953804-T-TG.
Other names: c.10dup, p.Asp4fs (NM_015384.5); short protein forms D4fs.
Identifiers: ClinVar variation 1320125 (VCV001320125.1), dbSNP rs2149597479, ClinGen allele CA2573052498.

ClinVar aggregate classification (germline): Pathogenic (1 of 4 stars; one submission).

Conditions:
Cornelia de Lange syndrome 1 (CDLS1). Also called: NIPBL-Related Cornelia de Lange Syndrome; TYPUS DEGENERATIVUS AMSTELODAMENSIS; Brachmann de Lange syndrome. Identifiers: Orphanet 199, MedGen C4551851, MONDO:0007387, OMIM 122470.

Submission:

3billion
Classification: Pathogenic for Cornelia de Lange syndrome 1. Last evaluated: 2021-10-02. Review status: criteria provided, single submitter. Criteria: ACMG Guidelines, 2015. Collection method: clinical testing. Allele origin: germline. Affected: yes. Observed: 1 heterozygote.
Comment: Frameshift: predicted to result in a loss or disruption of normal protein function through nonsense-mediated decay (NMD) or protein truncation. Multiple pathogenic variants are reported downstream of the variant (PVS1_VS). The variant was observed as assumed (i.e. paternity and maternity not confirmed) de novoo (3billion dataset, PM6). It is not observed in the gnomAD v2.1.1 dataset (PM2). Therefore, this variant is classified as pathogenic according to the recommendation of ACMG/AMP guideline.